The following is an entry in ClinVar:

ClinVar aggregate classification (germline): Uncertain significance (1 of 4 stars; one submission).

Conditions:
Arrhythmogenic right ventricular dysplasia 13. Also called: ARRHYTHMOGENIC RIGHT VENTRICULAR CARDIOMYOPATHY 13; Arrhythmogenic right ventricular dysplasia, familial, 13. Identifiers: MedGen C3810138, MONDO:0000908, OMIM 615616.

Allele frequency attached by ClinVar (database versions not stated): gnomAD 0.00001.
gnomAD v4.1: 3 of 1,589,774 alleles (0.00019%); highest among the groups gnomAD compares: African/African-American, 0.0014%; no homozygotes.

Submission:

Labcorp Genetics (formerly Invitae), Labcorp
Classification: Uncertain significance for Arrhythmogenic right ventricular dysplasia 13. Last evaluated: 2023-12-09. Review status: criteria provided, single submitter. Criteria: Invitae Variant Classification Sherloc (09022015). Collection method: clinical testing. Allele origin: germline.
Comment: This sequence change falls in intron 11 of the CTNNA3 gene. It does not directly change the encoded amino acid sequence of the CTNNA3 protein. It affects a nucleotide within the consensus splice site. This variant is not present in population databases (gnomAD no frequency). This variant has not been reported in the literature in individuals affected with CTNNA3-related conditions. Variants that disrupt the consensus splice site are a relatively common cause of aberrant splicing (PMID: 17576681, 9536098). Algorithms developed to predict the effect of sequence changes on RNA splicing suggest that this variant is not likely to affect RNA splicing. In summary, the available evidence is currently insufficient to determine the role of this variant in disease. Therefore, it has been classified as a Variant of Uncertain Significance.

Literature cited by the submitters: PubMed 17576681; PubMed 9536098.

NM_013266.4(CTNNA3):c.1531+5G>A

Gene: CTNNA3 (catenin alpha 3; minus strand). Cytogenetic location: 10q21.3.
Variant type: single nucleotide variant.
Coding change: c.1531+5G>A on transcript NM_013266.4 (MANE Select); 5 bases into the intron after coding-DNA position 1531, G replaced by A.
Molecular consequence: intron variant.
Genome position (GRCh38, 1-based): chr10:66,520,612, C>T on the plus strand (G>A on the coding strand, the complement: CTNNA3 is on the minus strand). VCF-style: chr10-66520612-C-T. GRCh37 (hg19) VCF-style: chr10-68280370-C-T.
Other names: c.1531+5G>A (NM_001127384.3).
Identifiers: ClinVar variation 2885592 (VCV002885592.3), dbSNP rs1841027107, ClinGen allele CA929389593.